The following is an entry in ClinVar:

ClinVar aggregate classification (germline): Pathogenic (1 of 4 stars; one submission).

Submission:

GeneDx
Classification: Pathogenic. Last evaluated: 2022-06-21. Review status: criteria provided, single submitter. Criteria: GeneDx Variant Classification Process June 2021. Collection method: clinical testing. Allele origin: germline. Affected: yes.
Comment: Nonsense variant predicted to result in protein truncation or nonsense mediated decay in a gene for which loss of function is a known mechanism of disease; Not observed at significant frequency in large population cohorts (gnomAD); This variant is associated with the following publications: (PMID: 22679784, 35052464)

NM_000088.4(COL1A1):c.967G>T (p.Gly323Ter)

Gene: COL1A1 (collagen type I alpha 1 chain; minus strand). Cytogenetic location: 17q21.33.
Variant type: single nucleotide variant.
Coding change: c.967G>T on transcript NM_000088.4 (MANE Select); coding-DNA position 967, G replaced by T.
Protein change: p.Gly323Ter; replaces glycine 323 with a stop codon.
Molecular consequence: nonsense.
Genome position (GRCh38, 1-based): chr17:50,196,190, C>A on the plus strand (G>T on the coding strand, the complement: COL1A1 is on the minus strand). VCF-style: chr17-50196190-C-A. GRCh37 (hg19) VCF-style: chr17-48273551-C-A.
Other names: short protein forms G323*.
Identifiers: ClinVar variation 1806759 (VCV001806759.1), dbSNP rs2509233908, ClinGen allele CA400221428.
Genomic context (GRCh38, chr17:50,196,190, plus strand): 5'-CCTGAGGCCTACAGGCCACACTCACAGGGGGCCCGGCAGCACCAGTAGCACCATCATTTC[C>A]ACGAGCACCCTGCAGGAGAGAGGGGAAGCCCCGTTAAGTCCACTGAGCACTGGCCAGTCC-3'